The following is an entry in ClinVar:

ClinVar aggregate classification (germline): Uncertain significance (1 of 4 stars; one submission).

Conditions:
Cardiovascular phenotype. Identifiers: MedGen CN230736.

Submission:

Ambry Genetics
Classification: Uncertain significance for Cardiovascular phenotype. Last evaluated: 2024-05-07. Review status: criteria provided, single submitter. Criteria: Ambry Variant Classification Scheme 2023. Collection method: clinical testing. Allele origin: germline.
Comment: The p.I889V variant (also known as c.2665A>G), located in coding exon 23 of the RYR2 gene, results from an A to G substitution at nucleotide position 2665. The isoleucine at codon 889 is replaced by valine, an amino acid with highly similar properties. This amino acid position is highly conserved in available vertebrate species. In addition, the in silico prediction for this alteration is inconclusive. Based on the available evidence, the clinical significance of this variant remains unclear.

NM_001035.3(RYR2):c.2665A>G (p.Ile889Val)

Gene: RYR2 (ryanodine receptor 2; plus strand). Cytogenetic location: 1q43.
Variant type: single nucleotide variant.
Coding change: c.2665A>G on transcript NM_001035.3 (MANE Select); coding-DNA position 2665, A replaced by G.
Protein change: p.Ile889Val; replaces isoleucine 889 with valine.
Molecular consequence: missense variant.
Genome position (GRCh38, 1-based): chr1:237,506,761, A>G. VCF-style: chr1-237506761-A-G. GRCh37 (hg19) VCF-style: chr1-237670061-A-G.
Other names: short protein forms I889V.
Identifiers: ClinVar variation 3315889 (VCV003315889.1).